The following is an entry in ClinVar:

ClinVar aggregate classification (germline): Uncertain significance (1 of 4 stars; one submission).

gnomAD v4.1: 1 of 1,614,212 alleles (0.000062%); highest among the groups gnomAD compares: Non-Finnish European, 0.000085%; no homozygotes.

Submission:

Labcorp Genetics (formerly Invitae), Labcorp
Classification: Uncertain significance. Last evaluated: 2023-11-18. Review status: criteria provided, single submitter. Criteria: Invitae Variant Classification Sherloc (09022015). Collection method: clinical testing. Allele origin: germline.
Comment: This sequence change replaces serine, which is neutral and polar, with phenylalanine, which is neutral and non-polar, at codon 2609 of the NSD1 protein (p.Ser2609Phe). This variant is not present in population databases (gnomAD no frequency). This variant has not been reported in the literature in individuals affected with NSD1-related conditions. Advanced modeling of protein sequence and biophysical properties (such as structural, functional, and spatial information, amino acid conservation, physicochemical variation, residue mobility, and thermodynamic stability) performed at Invitae indicates that this missense variant is not expected to disrupt NSD1 protein function with a negative predictive value of 95%. In summary, the available evidence is currently insufficient to determine the role of this variant in disease. Therefore, it has been classified as a Variant of Uncertain Significance.

NM_022455.5(NSD1):c.7826C>T (p.Ser2609Phe)

Gene: NSD1 (nuclear receptor binding SET domain protein 1; plus strand). Cytogenetic location: 5q35.3.
Variant type: single nucleotide variant.
Coding change: c.7826C>T on transcript NM_022455.5 (MANE Select); coding-DNA position 7826, C replaced by T.
Protein change: p.Ser2609Phe; replaces serine 2609 with phenylalanine.
Molecular consequence: missense variant.
Genome position (GRCh38, 1-based): chr5:177,295,194, C>T. VCF-style: chr5-177295194-C-T. GRCh37 (hg19) VCF-style: chr5-176722195-C-T.
Other names: c.6953C>T, p.Ser2318Phe (NM_001365684.2, NM_001409308.1, NM_172349.5); c.7826C>T, p.Ser2609Phe (NM_001409301.1, NM_001409302.1, NM_001409303.1); c.7406C>T, p.Ser2469Phe (NM_001409304.1); c.7073C>T, p.Ser2358Phe (NM_001409305.1); c.7064C>T, p.Ser2355Phe (NM_001409306.1, NM_001409307.1); c.6704C>T, p.Ser2235Phe (NM_001409309.1); short protein forms S2235F, S2318F, S2355F, S2358F, S2469F, S2609F.
Identifiers: ClinVar variation 3625334 (VCV003625334.2).